The following is an entry in ClinVar:

ClinVar aggregate classification (germline): Uncertain significance. Review status: criteria provided, multiple submitters, no conflicts (2 of 4 stars). 2 submissions from 2 submitters: Uncertain significance (2). Last evaluated 2023-04-02.

Conditions:
DLG1-related disorder. Also called: DLG1-related condition.

Allele frequency attached by ClinVar (database versions not stated): gnomAD exomes 0.00001; TOPMed 0.00002.
gnomAD v4.1: 18 of 1,606,490 alleles (0.0011%); highest among the groups gnomAD compares: Admixed American, 0.0068%; no homozygotes.

Submissions (2):

PreventionGenetics, part of Exact Sciences
Classification: Uncertain significance for DLG1-related condition. Last evaluated: 2023-04-02. Review status: criteria provided, single submitter. Criteria: ACMG Guidelines, 2015. Collection method: clinical testing. Allele origin: germline.
Comment: The DLG1 c.359A>G variant is predicted to result in the amino acid substitution p.His120Arg. To our knowledge, this variant has not been reported in the literature or in a large population database, indicating this variant is rare. At this time, the clinical significance of this variant is uncertain due to the absence of conclusive functional and genetic evidence.

Ambry Genetics
Classification: Uncertain significance. Last evaluated: 2022-12-13. Review status: criteria provided, single submitter. Criteria: Ambry Variant Classification Scheme 2023. Collection method: clinical testing. Allele origin: germline.

NM_001366207.1(DLG1):c.359A>G (p.His120Arg)

Gene: DLG1 (discs large MAGUK scaffold protein 1; minus strand). Cytogenetic location: 3q29.
Variant type: single nucleotide variant.
Coding change: c.359A>G on transcript NM_001366207.1 (MANE Select); coding-DNA position 359, A replaced by G.
Protein change: p.His120Arg; replaces histidine 120 with arginine.
Molecular consequence: missense variant. On other transcripts: non-coding transcript variant (2).
Genome position (GRCh38, 1-based): chr3:197,194,549, T>C on the plus strand (A>G on the coding strand, the complement: DLG1 is on the minus strand). VCF-style: chr3-197194549-T-C. GRCh37 (hg19) VCF-style: chr3-196921420-T-C.
Other names: c.359A>G, p.His120Arg (NM_001098424.1, NM_001204386.1, NM_001290983.2 and 19 more transcripts); short protein forms H120R.
Identifiers: ClinVar variation 2334011 (VCV002334011.3), dbSNP rs1157450269, ClinGen allele CA355675085.
Genomic context (GRCh38, chr3:197,194,549, plus strand): 5'-TTCTCTGAGACATGAACCAATTCTGGACCTATCACTTCATTTGTGATTTGTGGGGAAATA[T>C]GCTCTTGAGGAGGTGTATCTTCATCCTGATACCTGTATTTCTGTAAAGAAAATAAACATG-3'
Protein context (NP_001353136.1, residues 110-130): YQDEDTPPQE[His120Arg]ISPQITNEVI